The following is an entry in ClinVar:

ClinVar aggregate classification (germline): Uncertain significance (1 of 4 stars; one submission).

Submission:

Labcorp Genetics (formerly Invitae), Labcorp
Classification: Uncertain significance. Last evaluated: 2025-12-02. Review status: criteria provided, single submitter. Criteria: Invitae Variant Classification Sherloc (09022015). Collection method: clinical testing. Allele origin: germline.
Comment: This variant, c.243_251del, results in the deletion of 3 amino acid(s) of the THBD protein (p.Gly82_Arg84del), but otherwise preserves the integrity of the reading frame. This variant is not present in population databases (gnomAD no frequency). This variant has not been reported in the literature in individuals affected with THBD-related conditions. Experimental studies and prediction algorithms are not available or were not evaluated, and the functional significance of this variant is currently unknown. In summary, the available evidence is currently insufficient to determine the role of this variant in disease. Therefore, it has been classified as a Variant of Uncertain Significance.

NM_000361.3(THBD):c.243_251del (p.Gly82_Arg84del)

Gene: THBD (thrombomodulin; minus strand). Cytogenetic location: 20p11.21.
Variant type: Deletion.
Coding change: c.243_251del on transcript NM_000361.3 (MANE Select); coding-DNA positions 243 to 251, 9 bases deleted (TGGCCGCCG; older notation c.243_251delTGGCCGCCG).
Protein change: p.Gly82_Arg84del.
Molecular consequence: inframe deletion.
Genome position (GRCh38, 1-based): chr20:23,049,254-23,049,262, CGGCGGCCA deleted on the plus strand (TGGCCGCCG on the coding strand, the reverse complement: THBD is on the minus strand). VCF-style (leftmost placement, unchanged base first): chr20-23049253-CCGGCGGCCA-C. GRCh37 (hg19) VCF-style: chr20-23029890-CCGGCGGCCA-C.
Identifiers: ClinVar variation 4707312 (VCV004707312.1).